The following is an entry in ClinVar:

NM_024306.5(FA2H):c.*813C>T

Gene: FA2H (fatty acid 2-hydroxylase; minus strand). Cytogenetic location: 16q23.1.
Variant type: single nucleotide variant.
Coding change: c.*813C>T on transcript NM_024306.5 (MANE Select); 813 bases downstream of the stop codon, C replaced by T.
Molecular consequence: 3 prime UTR variant.
Genome position (GRCh38, 1-based): chr16:74,713,377, G>A on the plus strand (C>T on the coding strand, the complement: FA2H is on the minus strand). VCF-style: chr16-74713377-G-A. GRCh37 (hg19) VCF-style: chr16-74747275-G-A.
Identifiers: ClinVar variation 320471 (VCV000320471.5), dbSNP rs568964501, ClinGen allele CA10648927.

ClinVar aggregate classification (germline): Likely benign (1 of 4 stars; one submission).

Conditions:
Hereditary spastic paraplegia 35. Also called: Spastic paraplegia 35; SPASTIC PARAPLEGIA 35, AUTOSOMAL RECESSIVE, WITH OR WITHOUT NEURODEGENERATION; LEUKODYSTROPHY, DYSMYELINATING, AND SPASTIC PARAPARESIS WITH OR WITHOUT DYSTONIA; Spastic paraplegia 35, autosomal recessive. Identifiers: Orphanet 171629, MedGen C3496228, MONDO:0012866, OMIM 612319.

Allele frequency attached by ClinVar (database versions not stated): gnomAD 0.00087 and 0.00091; TOPMed 0.00162; 1000 Genomes Project 0.00200.

Submission:

Illumina Laboratory Services, Illumina
Classification: Likely benign for Hereditary spastic paraplegia 35. Last evaluated: 2018-01-13. Review status: criteria provided, single submitter. Criteria: ICSL Variant Classification Criteria 13 December 2019. Collection method: clinical testing. Allele origin: germline.
Comment: This variant was observed in the ICSL laboratory as part of a predisposition screen in an ostensibly healthy population. It had not been previously curated by ICSL or reported in the Human Gene Mutation Database (HGMD: prior to June 1st, 2018), and was therefore a candidate for classification through an automated scoring system. Utilizing variant allele frequency, disease prevalence and penetrance estimates, and inheritance mode, an automated score was calculated to assess if this variant is too frequent to cause the disease. Based on the score and internal cut-off values, a variant classified as likely benign is not then subjected to further curation. The score for this variant resulted in a classification of likely benign for this disease.